The following is an entry in ClinVar:

NM_002353.3(TACSTD2):c.441G>C (p.Glu147Asp)

Gene: TACSTD2 (tumor associated calcium signal transducer 2; minus strand). Cytogenetic location: 1p32.1.
Variant type: single nucleotide variant.
Coding change: c.441G>C on transcript NM_002353.3 (MANE Select); coding-DNA position 441, G replaced by C.
Protein change: p.Glu147Asp; replaces glutamic acid 147 with aspartic acid.
Molecular consequence: missense variant.
Genome position (GRCh38, 1-based): chr1:58,576,716, C>G on the plus strand (G>C on the coding strand, the complement: TACSTD2 is on the minus strand). VCF-style: chr1-58576716-C-G. GRCh37 (hg19) VCF-style: chr1-59042388-C-G.
Other names: short protein forms E147D.
Identifiers: ClinVar variation 297770 (VCV000297770.10), dbSNP rs1062964, ClinGen allele CA877427.

ClinVar aggregate classification (germline): Benign. Review status: criteria provided, multiple submitters, no conflicts (2 of 4 stars). 3 submissions from 3 submitters: Benign (3). Last evaluated 2026-01-26.

Conditions:
Gelatinous droplike corneal dystrophy (GDLD). Also called: AMYLOID CORNEAL DYSTROPHY, JAPANESE TYPE. Identifiers: Orphanet 98957, MedGen C0339273, MONDO:0008777, OMIM 204870.

Allele frequency attached by ClinVar (database versions not stated): 1000 Genomes Project 0.03774; 1000 Genomes Project 30x 0.04029; gnomAD exomes 0.04091 and 0.04993; ExAC 0.04791; TOPMed 0.04820; gnomAD 0.04859 and 0.04957; ESP Exome Variant Server 0.06026.

Submissions (3):

Labcorp Genetics (formerly Invitae), Labcorp
Classification: Benign. Last evaluated: 2026-01-26. Review status: criteria provided, single submitter. Criteria: Invitae Variant Classification Sherloc (09022015). Collection method: clinical testing. Allele origin: germline.

Illumina Laboratory Services, Illumina
Classification: Benign for Gelatinous droplike corneal dystrophy. Last evaluated: 2018-01-13. Review status: criteria provided, single submitter. Criteria: ICSL Variant Classification Criteria 13 December 2019. Collection method: clinical testing. Allele origin: germline.
Comment: This variant was observed in the ICSL laboratory as part of a predisposition screen in an ostensibly healthy population. It had not been previously curated by ICSL or reported in the Human Gene Mutation Database (HGMD: prior to June 1st, 2018), and was therefore a candidate for classification through an automated scoring system. Utilizing variant allele frequency, disease prevalence and penetrance estimates, and inheritance mode, an automated score was calculated to assess if this variant is too frequent to cause the disease. Based on the score and internal cut-off values, a variant classified as benign is not then subjected to further curation. The score for this variant resulted in a classification of benign for this disease.

Breakthrough Genomics
Classification: Benign. Review status: criteria provided, single submitter. Criteria: ACMG Guidelines, 2015. Collection method: not provided. Allele origin: germline. Inheritance: Autosomal recessive inheritance. Affected: yes.